The following is an entry in ClinVar:

ClinVar aggregate classification (germline): Uncertain significance. Review status: criteria provided, multiple submitters, no conflicts (2 of 4 stars). 2 submissions from 2 submitters: Uncertain significance (2). Last evaluated 2025-02-27.

Conditions:
Myopathy, proximal, and ophthalmoplegia (CMYO6). Also called: MYOPATHY WITH CONGENITAL JOINT CONTRACTURES, OPHTHALMOPLEGIA, AND RIMMED VACUOLES; INCLUSION BODY MYOPATHY 3, AUTOSOMAL DOMINANT; CONGENITAL MYOPATHY 6 WITH OPHTHALMOPLEGIA. Identifiers: Orphanet 363677, Orphanet 79091, MedGen C1854106, MONDO:0011577, OMIM 605637.

Allele frequency attached by ClinVar (database versions not stated): gnomAD exomes below 0.00001 and 0.00001; gnomAD 0.00001.

Submissions (2):

Labcorp Genetics (formerly Invitae), Labcorp
Classification: Uncertain significance for Myopathy, proximal, and ophthalmoplegia. Last evaluated: 2025-02-27. Review status: criteria provided, single submitter. Criteria: Invitae Variant Classification Sherloc (09022015). Collection method: clinical testing. Allele origin: germline.
Comment: This sequence change replaces phenylalanine, which is neutral and non-polar, with valine, which is neutral and non-polar, at codon 516 of the MYH2 protein (p.Phe516Val). This variant is present in population databases (no rsID available, gnomAD 0.0009%). This missense change has been observed in individual(s) with congenital myopathy (PMID: 31321302). ClinVar contains an entry for this variant (Variation ID: 1054335). Invitae Evidence Modeling of protein sequence and biophysical properties (such as structural, functional, and spatial information, amino acid conservation, physicochemical variation, residue mobility, and thermodynamic stability) indicates that this missense variant is expected to disrupt MYH2 protein function with a positive predictive value of 80%. In summary, the available evidence is currently insufficient to determine the role of this variant in disease. Therefore, it has been classified as a Variant of Uncertain Significance.

Revvity Omics, Revvity
Classification: Uncertain significance for Myopathy, proximal, and ophthalmoplegia. Last evaluated: 2019-09-24. Review status: criteria provided, single submitter. Criteria: ACMG Guidelines, 2015. Collection method: clinical testing. Allele origin: germline.

Literature cited by the submitters: PubMed 31321302 (cited by Labcorp Genetics (formerly Invitae), Labcorp).

NM_017534.6(MYH2):c.1546T>G (p.Phe516Val)

Genes: MYH2 (myosin heavy chain 2; minus strand), MYHAS (myosin heavy chain gene cluster antisense RNA; plus strand). Cytogenetic location: 17p13.1.
Variant type: single nucleotide variant.
Coding change: c.1546T>G on transcript NM_017534.6 (MANE Select); coding-DNA position 1546, T replaced by G.
Protein change: p.Phe516Val; replaces phenylalanine 516 with valine.
Molecular consequence: missense variant.
Genome position (GRCh38, 1-based): chr17:10,537,706, A>C on the plus strand (T>G on the coding strand, the complement: MYH2 is on the minus strand). VCF-style: chr17-10537706-A-C. GRCh37 (hg19) VCF-style: chr17-10441023-A-C.
Other names: c.1546T>G (NM_017534.5); c.1546T>G, p.Phe516Val (NM_001100112.2); short protein forms F516V.
Identifiers: ClinVar variation 1054335 (VCV001054335.8), dbSNP rs894307740, ClinGen allele CA287744339.
Genomic context (GRCh38, chr17:10,537,706, plus strand): 5'-TCAGAAATGCAAAACCAACCTTCTCGATGAGCTCGATGCAGGCAGCCAGGTCCATCCCGA[A>C]GTCGATGAACGTCCACTCGATGCCTTCCTTCTTGTACTCCTCCTGCTCCAGCACGAACAT-3'
Protein context (NP_060004.3, residues 506-526): KEGIEWTFID[Phe516Val]GMDLAACIEL